The following is an entry in ClinVar:

NM_001242896.3(DEPDC5):c.4102G>T (p.Glu1368Ter)

Gene: DEPDC5 (DEP domain containing 5, GATOR1 subcomplex subunit; plus strand). Cytogenetic location: 22q12.3.
Variant type: single nucleotide variant.
Coding change: c.4102G>T on transcript NM_001242896.3 (MANE Select); coding-DNA position 4102, G replaced by T.
Protein change: p.Glu1368Ter; replaces glutamic acid 1368 with a stop codon.
Molecular consequence: nonsense. On other transcripts: non-coding transcript variant (5).
Genome position (GRCh38, 1-based): chr22:31,893,650, G>T. VCF-style: chr22-31893650-G-T. GRCh37 (hg19) VCF-style: chr22-32289636-G-T.
Other names: c.4075G>T, p.Glu1359Ter (NM_001136029.4); c.3802G>T, p.Glu1268Ter (NM_001242897.2); c.4036G>T, p.Glu1346Ter (NM_001363852.2, NM_001364320.2); c.3868G>T, p.Glu1290Ter (NM_001363854.2, NM_001364319.2); c.4102G>T, p.Glu1368Ter (NM_001364318.2); c.4018G>T, p.Glu1340Ter (NM_001369901.1, NM_001369902.1); c.4009G>T, p.Glu1337Ter (NM_001369903.1, NM_014662.6); short protein forms E1268*, E1337*, E1340*, E1359*, E1290*, E1346*, E1368*.
Identifiers: ClinVar variation 2842232 (VCV002842232.3), dbSNP rs2523210580, ClinGen allele CA411286930.
Genomic context (GRCh38, chr22:31,893,650, plus strand): 5'-GTCCCAGAGCAGAGGACTGTGACCCTGGATGTTGACGTGAACAACCGCACAGACCGGCTG[G>T]AGTGGTGCAGCTGTTATTACCATGGCAACTTTTCTCTGAATGCAGCCTTTGAGATCAAGC-3'

ClinVar aggregate classification (germline): Pathogenic (1 of 4 stars; one submission).

Conditions:
Familial focal epilepsy with variable foci (FPEVF). Identifiers: Orphanet 98820, MedGen C1858477, MONDO:0020310.

Submission:

Labcorp Genetics (formerly Invitae), Labcorp
Classification: Pathogenic for Familial focal epilepsy with variable foci. Last evaluated: 2023-03-02. Review status: criteria provided, single submitter. Criteria: Invitae Variant Classification Sherloc (09022015). Collection method: clinical testing. Allele origin: germline.
Comment: This sequence change creates a premature translational stop signal (p.Glu1368*) in the DEPDC5 gene. It is expected to result in an absent or disrupted protein product. Loss-of-function variants in DEPDC5 are known to be pathogenic (PMID: 23542697, 23542701). This variant is not present in population databases (gnomAD no frequency). This variant has not been reported in the literature in individuals affected with DEPDC5-related conditions. Algorithms developed to predict the effect of sequence changes on RNA splicing suggest that this variant may disrupt the consensus splice site. For these reasons, this variant has been classified as Pathogenic.

Literature cited by the submitters: PubMed 23542697; PubMed 23542701.